The following is an entry in ClinVar:

ClinVar aggregate classification (germline): Pathogenic (1 of 4 stars; one submission).

Conditions:
Episodic ataxia type 2 (EA2). Also called: ATAXIA, EPISODIC, WITH NYSTAGMUS; ATAXIA, FAMILIAL PAROXYSMAL; CEREBELLAR ATAXIA, PAROXYSMAL, ACETAZOLAMIDE-RESPONSIVE; CEREBELLOPATHY, HEREDITARY PAROXYSMAL; ACETAZOLAMIDE-RESPONSIVE HEREDITARY PAROXYSMAL CEREBELLAR ATAXIA; EPISODIC ATAXIA, NYSTAGMUS-ASSOCIATED. Identifiers: Orphanet 97, MedGen C1720416, MONDO:0007163, OMIM 108500.
Developmental and epileptic encephalopathy, 42 (DEE42A). Also called: Epileptic encephalopathy, early infantile, 42; DEVELOPMENTAL AND EPILEPTIC ENCEPHALOPATHY 42A; EPILEPTIC ENCEPHALOPATHY, EARLY INFANTILE, 42A. Identifiers: MedGen C4310716, MONDO:0014917, OMIM 617106.

Submission:

Labcorp Genetics (formerly Invitae), Labcorp
Classification: Pathogenic for Developmental and epileptic encephalopathy, 42; Episodic ataxia type 2. Last evaluated: 2022-11-07. Review status: criteria provided, single submitter. Criteria: Invitae Variant Classification Sherloc (09022015). Collection method: clinical testing. Allele origin: germline.
Comment: For these reasons, this variant has been classified as Pathogenic. This frameshift has been observed in individual(s) with clinical features of epileptic encephalopathy with cerebellar atrophy (Invitae). In at least one individual the variant was observed to be de novo. This variant is not present in population databases (gnomAD no frequency). This sequence change results in a frameshift in the CACNA1A gene (p.Asp2235Alafs*32). While this is not anticipated to result in nonsense mediated decay, it is expected to disrupt the last 27 amino acid(s) of the CACNA1A protein and extend the protein by 4 additional amino acid residues.

NM_001127222.2(CACNA1A):c.6697_6700dup (p.Asp2234fs)

Gene: CACNA1A (calcium voltage-gated channel subunit alpha1 A; minus strand). Cytogenetic location: 19p13.13.
Variant type: Duplication.
Coding change: c.6697_6700dup on transcript NM_001127222.2 (MANE Select); coding-DNA positions 6697 to 6700, 4 bases duplicated (CCGG; older notation c.6697_6700dupCCGG).
Protein change: p.Asp2234fs; shifts the reading frame from aspartic acid 2234.
Molecular consequence: frameshift variant.
Genome position (GRCh38, 1-based): chr19:13,208,836-13,208,839, CCGG duplicated on the plus strand (CCGG on the coding strand, the reverse complement: CACNA1A is on the minus strand); duplicating any 4 consecutive bases within chr19:13,208,836-13,208,842 gives the same sequence; the c. name uses the placement nearest the transcript's 3' end. VCF-style (leftmost placement, unchanged base first): chr19-13208835-T-TCCGG. GRCh37 (hg19) VCF-style: chr19-13319649-T-TCCGG.
Other names: c.6715_6718dup, p.Asp2240fs (NM_000068.4, NM_023035.3); c.6700_6703dup, p.Asp2235fs (NM_001127221.2); c.6706_6709dup, p.Asp2237fs (NM_001174080.2); short protein forms D2235fs, D2237fs, D2240fs, D2234fs.
Identifiers: ClinVar variation 2035341 (VCV002035341.4), dbSNP rs2512515665, ClinGen allele CA2580096585.